The following is an entry in ClinVar:

NM_147127.5(EVC2):c.1341C>G (p.Tyr447Ter)

Genes: EVC2 (EvC ciliary complex subunit 2; minus strand), LOC126806961 (BRD4-independent group 4 enhancer GRCh37_chr4:5641443-5642642; plus strand). Cytogenetic location: 4p16.2.
Variant type: single nucleotide variant.
Coding change: c.1341C>G on transcript NM_147127.5 (MANE Select); coding-DNA position 1341, C replaced by G.
Protein change: p.Tyr447Ter; replaces tyrosine 447 with a stop codon.
Molecular consequence: nonsense.
Genome position (GRCh38, 1-based): chr4:5,640,643, G>C on the plus strand (C>G on the coding strand, the complement: EVC2 is on the minus strand). VCF-style: chr4-5640643-G-C. GRCh37 (hg19) VCF-style: chr4-5642370-G-C.
Other names: c.1101C>G, p.Tyr367Ter (NM_001166136.2); short protein forms Y447*, Y367*.
Identifiers: ClinVar variation 2071080 (VCV002071080.5), dbSNP rs186349183, ClinGen allele CA356151640.

ClinVar aggregate classification (germline): Pathogenic/Likely pathogenic. Review status: criteria provided, multiple submitters, no conflicts (2 of 4 stars). 2 submissions from 2 submitters: Pathogenic (1); Likely pathogenic (1). Last evaluated 2024-05-20.

Conditions:
Curry-Hall syndrome (WAD). Also called: WEYERS ACRODENTAL DYSOSTOSIS. Identifiers: Orphanet 952, MedGen C0457013, MONDO:0008673, OMIM 193530.
Ellis-van Creveld syndrome (EVC). Also called: Chondroectodermal dysplasia; MESOECTODERMAL DYSPLASIA; EVC-Related Ellis-van Creveld Syndrome; EVC2-Related Ellis-van Creveld Syndrome. Identifiers: Orphanet 289, MedGen C0013903, MONDO:0009162, OMIM 225500.

Submissions (2):

Fulgent Genetics
Classification: Likely pathogenic for Curry-Hall syndrome; Ellis-van Creveld syndrome. Last evaluated: 2024-05-20. Review status: criteria provided, single submitter. Criteria: ACMG Guidelines, 2015. Collection method: clinical testing. Allele origin: germline.

Labcorp Genetics (formerly Invitae), Labcorp
Classification: Pathogenic for Curry-Hall syndrome; Ellis-van Creveld syndrome. Last evaluated: 2022-01-18. Review status: criteria provided, single submitter. Criteria: Invitae Variant Classification Sherloc (09022015). Collection method: clinical testing. Allele origin: germline.
Comment: For these reasons, this variant has been classified as Pathogenic. This variant has not been reported in the literature in individuals affected with EVC2-related conditions. This variant is not present in population databases (gnomAD no frequency). This sequence change creates a premature translational stop signal (p.Tyr447*) in the EVC2 gene. It is expected to result in an absent or disrupted protein product. Loss-of-function variants in EVC2 are known to be pathogenic (PMID: 17024374, 19810119, 19876929).

Literature cited by the submitters: PubMed 17024374 (cited by Labcorp Genetics (formerly Invitae), Labcorp); PubMed 19810119 (cited by Labcorp Genetics (formerly Invitae), Labcorp); PubMed 19876929 (cited by Labcorp Genetics (formerly Invitae), Labcorp).